The following is an entry in ClinVar:

NM_006796.3(AFG3L2):c.2159A>C (p.Lys720Thr)

Gene: AFG3L2 (AFG3 like matrix AAA peptidase subunit 2; minus strand). Cytogenetic location: 18p11.21.
Variant type: single nucleotide variant.
Coding change: c.2159A>C on transcript NM_006796.3 (MANE Select); coding-DNA position 2159, A replaced by C.
Protein change: p.Lys720Thr; replaces lysine 720 with threonine.
Molecular consequence: missense variant.
Genome position (GRCh38, 1-based): chr18:12,337,357, T>G on the plus strand (A>C on the coding strand, the complement: AFG3L2 is on the minus strand). VCF-style: chr18-12337357-T-G. GRCh37 (hg19) VCF-style: chr18-12337356-T-G.
Other names: short protein forms K720T.
Identifiers: ClinVar variation 4056825 (VCV004056825.1).

ClinVar aggregate classification (germline): Uncertain significance (1 of 4 stars; one submission).

Submission:

GeneDx
Classification: Uncertain significance. Last evaluated: 2025-01-10. Review status: criteria provided, single submitter. Criteria: GeneDx Variant Classification Process June 2021. Collection method: clinical testing. Allele origin: germline. Affected: yes.
Comment: Not observed at significant frequency in large population cohorts (gnomAD); In silico analysis supports that this missense variant has a deleterious effect on protein structure/function; Has not been previously published as pathogenic or benign to our knowledge